The following is an entry in ClinVar:

NM_003640.5(ELP1):c.738G>A (p.Trp246Ter)

Gene: ELP1 (elongator acetyltransferase complex subunit 1; minus strand). Cytogenetic location: 9q31.3.
Variant type: single nucleotide variant.
Coding change: c.738G>A on transcript NM_003640.5 (MANE Select); coding-DNA position 738, G replaced by A.
Protein change: p.Trp246Ter; replaces tryptophan 246 with a stop codon.
Molecular consequence: nonsense. On other transcripts: intron variant (1).
Genome position (GRCh38, 1-based): chr9:108,918,813, C>T on the plus strand (G>A on the coding strand, the complement: ELP1 is on the minus strand). VCF-style: chr9-108918813-C-T. GRCh37 (hg19) VCF-style: chr9-111681093-C-T.
Other names: c.738G>A (NM_003640.4); c.396G>A, p.Trp132Ter (NM_001318360.2); c.-307-1143G>A (NM_001330749.2); short protein forms W132*, W246*.
Identifiers: ClinVar variation 3021773 (VCV003021773.5), dbSNP rs2537942231, ClinGen allele CA374386647.

ClinVar aggregate classification (germline): Pathogenic/Likely pathogenic. Review status: criteria provided, multiple submitters, no conflicts (2 of 4 stars). 3 submissions from 3 submitters: Pathogenic (1); Likely pathogenic (2). Last evaluated 2024-12-04.

Conditions:
Medulloblastoma (MDB). Also called: MEDULLOBLASTOMA PREDISPOSITION SYNDROME; Medulloblastoma, somatic. Identifiers: Orphanet 616, MedGen C0025149, MeSH D008527, MONDO:0007959, OMIM 155255, HP:0002885.
Familial dysautonomia. Also called: HSAN III; FD. Identifiers: Orphanet 1764, MedGen C0013364, MONDO:0009131, OMIM 223900. Disease mechanism: loss of function.

gnomAD v4.1: 1 of 1,613,326 alleles (0.000062%); no homozygotes.

Submissions (3):

Natera, Inc.
Classification: Likely pathogenic for Familial dysautonomia. Last evaluated: 2024-12-04. Review status: criteria provided, single submitter. Criteria: Natera Variant Classification Schema (03/2026). Collection method: clinical testing. Allele origin: germline.
Comment: The c.738G>A variant in ELP1 is a nonsense variant predicted to introduce a stop codon at amino acid 246. This variant is expected to result in nonsense mediated decay, truncation, or a dysfunctional protein product. This variant is rare in the general population with a frequency below the threshold expected for the associated phenotype(s). Given the available evidence, this variant is classified as Likely Pathogenic.

Fulgent Genetics
Classification: Likely pathogenic for Medulloblastoma; Familial dysautonomia. Last evaluated: 2024-05-25. Review status: criteria provided, single submitter. Criteria: ACMG Guidelines, 2015. Collection method: clinical testing. Allele origin: germline.

Labcorp Genetics (formerly Invitae), Labcorp
Classification: Pathogenic. Last evaluated: 2023-10-03. Review status: criteria provided, single submitter. Criteria: Invitae Variant Classification Sherloc (09022015). Collection method: clinical testing. Allele origin: germline.
Comment: This sequence change creates a premature translational stop signal (p.Trp246*) in the ELP1 gene. It is expected to result in an absent or disrupted protein product. Loss-of-function variants in ELP1 are known to be pathogenic (PMID: 18303054, 24173031). This variant is not present in population databases (gnomAD no frequency). This variant has not been reported in the literature in individuals affected with ELP1-related conditions. Algorithms developed to predict the effect of sequence changes on RNA splicing suggest that this variant may create or strengthen a splice site. For these reasons, this variant has been classified as Pathogenic.

Literature cited by the submitters: PubMed 18303054 (cited by Labcorp Genetics (formerly Invitae), Labcorp); PubMed 24173031 (cited by Labcorp Genetics (formerly Invitae), Labcorp).